The following is an entry in ClinVar:

NM_004960.4(FUS):c.1526G>A (p.Gly509Asp)

Gene: FUS (FUS DNA/RNA binding protein; plus strand). Cytogenetic location: 16p11.2.
Variant type: single nucleotide variant.
Coding change: c.1526G>A on transcript NM_004960.4 (MANE Select); coding-DNA position 1526, G replaced by A.
Protein change: p.Gly509Asp; replaces glycine 509 with aspartic acid.
Molecular consequence: missense variant. On other transcripts: non-coding transcript variant (1).
Genome position (GRCh38, 1-based): chr16:31,191,095, G>A. VCF-style: chr16-31191095-G-A. GRCh37 (hg19) VCF-style: chr16-31202416-G-A.
Other names: c.1523G>A, p.Gly508Asp (NM_001170634.1); c.1514G>A, p.Gly505Asp (NM_001170937.1); short protein forms G505D, G508D, G509D.
Identifiers: ClinVar variation 4084959 (VCV004084959.8).

ClinVar aggregate classification (germline): Likely pathogenic (1 of 4 stars; one submission).

Submission:

CeGaT Center for Human Genetics Tuebingen
Classification: Likely pathogenic. Last evaluated: 2025-07-01. Review status: criteria provided, single submitter. Criteria: CeGaT Center For Human Genetics Tuebingen Variant Classification Criteria Version 2. Collection method: clinical testing. Allele origin: germline. Affected: yes. Observed: 1 variant allele.
Comment: FUS: PM2, PS4:Moderate, PM1:Supporting, PP3